The following is an entry in ClinVar:

NM_001378328.1(CELSR1):c.2017G>A (p.Val673Met)

Gene: CELSR1 (cadherin EGF LAG seven-pass G-type receptor 1; minus strand). Cytogenetic location: 22q13.31.
Variant type: single nucleotide variant.
Coding change: c.2017G>A on transcript NM_001378328.1 (MANE Select); coding-DNA position 2017, G replaced by A.
Protein change: p.Val673Met; replaces valine 673 with methionine.
Molecular consequence: missense variant.
Genome position (GRCh38, 1-based): chr22:46,535,154, C>T on the plus strand (G>A on the coding strand, the complement: CELSR1 is on the minus strand). VCF-style: chr22-46535154-C-T. GRCh37 (hg19) VCF-style: chr22-46931051-C-T.
Other names: c.2017G>A, p.Val673Met (NM_014246.4); short protein forms V673M.
Identifiers: ClinVar variation 3359681 (VCV003359681.1).

ClinVar aggregate classification (germline): Uncertain significance (1 of 4 stars; one submission).

gnomAD v4.1: 2 of 1,609,868 alleles (0.00012%); highest among the groups gnomAD compares: South Asian, 0.0011%; no homozygotes.

Submission:

GeneDx
Classification: Uncertain significance. Last evaluated: 2023-06-09. Review status: criteria provided, single submitter. Criteria: GeneDx Variant Classification Process June 2021. Collection method: clinical testing. Allele origin: germline. Affected: yes.
Comment: Not observed at significant frequency in large population cohorts (gnomAD); In silico analysis supports that this missense variant does not alter protein structure/function; Has not been previously published as pathogenic or benign to our knowledge